The following is an entry in ClinVar:

ClinVar aggregate classification (germline): Pathogenic (1 of 4 stars; one submission).

Conditions:
Hereditary insensitivity to pain with anhidrosis (CIPA). Also called: INSENSITIVITY TO PAIN, CONGENITAL, WITH ANHIDROSIS; HSAN Type IV; NTRK1 Congenital Insensitivity to Pain with Anhidrosis; hereditary sensory and autonomic neuropathy type 4; NEUROPATHY, CONGENITAL SENSORY, WITH ANHIDROSIS; FAMILIAL DYSAUTONOMIA, TYPE II. Identifiers: Orphanet 642, MedGen C0020074, MONDO:0009746, OMIM 256800.

gnomAD v4.1: 2 of 1,614,070 alleles (0.00012%); highest among the groups gnomAD compares: Non-Finnish European, 0.00017%; no homozygotes.

Submission:

Labcorp Genetics (formerly Invitae), Labcorp
Classification: Pathogenic for Hereditary insensitivity to pain with anhidrosis. Last evaluated: 2022-02-21. Review status: criteria provided, single submitter. Criteria: Invitae Variant Classification Sherloc (09022015). Collection method: clinical testing. Allele origin: germline.
Comment: For these reasons, this variant has been classified as Pathogenic. Algorithms developed to predict the effect of sequence changes on RNA splicing suggest that this variant may disrupt the consensus splice site. This variant has not been reported in the literature in individuals affected with NTRK1-related conditions. This variant is not present in population databases (gnomAD no frequency). This sequence change creates a premature translational stop signal (p.Glu92*) in the NTRK1 gene. It is expected to result in an absent or disrupted protein product. Loss-of-function variants in NTRK1 are known to be pathogenic (PMID: 10982191).

Literature cited by the submitters: PubMed 10982191.

NM_002529.4(NTRK1):c.274G>T (p.Glu92Ter)

Gene: NTRK1 (neurotrophic receptor tyrosine kinase 1; plus strand). Cytogenetic location: 1q23.1.
Variant type: single nucleotide variant.
Coding change: c.274G>T on transcript NM_002529.4 (MANE Select); coding-DNA position 274, G replaced by T.
Protein change: p.Glu92Ter; replaces glutamic acid 92 with a stop codon.
Molecular consequence: nonsense.
Genome position (GRCh38, 1-based): chr1:156,864,415, G>T. VCF-style: chr1-156864415-G-T. GRCh37 (hg19) VCF-style: chr1-156834207-G-T.
Other names: c.274G>T, p.Glu92Ter (NM_001007204.1, NM_001012331.2); c.184G>T, p.Glu62Ter (NM_001007792.1); short protein forms E62*, E92*.
Identifiers: ClinVar variation 2100862 (VCV002100862.4), dbSNP rs1655828678, ClinGen allele CA342931866.